The following is an entry in ClinVar:

NM_024675.4(PALB2):c.1051A>C (p.Thr351Pro)

Gene: PALB2 (partner and localizer of BRCA2; minus strand). Cytogenetic location: 16p12.2.
Variant type: single nucleotide variant.
Coding change: c.1051A>C on transcript NM_024675.4 (MANE Select); coding-DNA position 1051, A replaced by C.
Protein change: p.Thr351Pro; replaces threonine 351 with proline.
Molecular consequence: missense variant.
Genome position (GRCh38, 1-based): chr16:23,635,495, T>G on the plus strand (A>C on the coding strand, the complement: PALB2 is on the minus strand). VCF-style: chr16-23635495-T-G. GRCh37 (hg19) VCF-style: chr16-23646816-T-G.
Other names: c.991A>C, p.Thr331Pro (NM_001407296.1); c.1051A>C, p.Thr351Pro (NM_001407297.1, NM_001407298.1, NM_001407299.1 and 3 more transcripts); c.166A>C, p.Thr56Pro (NM_001407304.1, NM_001407305.1, NM_001407306.1 and 5 more transcripts); short protein forms T351P, T331P, T56P.
Identifiers: ClinVar variation 1777195 (VCV001777195.3), dbSNP rs1555461483, ClinGen allele CA395134146.

ClinVar aggregate classification (germline): Uncertain significance (1 of 4 stars; one submission).

Conditions:
Hereditary cancer-predisposing syndrome. Also called: Neoplastic Syndromes, Hereditary; Tumor predisposition; Hereditary Cancer Syndrome; Hereditary neoplastic syndrome. Identifiers: Orphanet 140162, MedGen C0027672, MeSH D009386, MONDO:0015356.

Submission:

Ambry Genetics
Classification: Uncertain significance for Hereditary cancer-predisposing syndrome. Last evaluated: 2024-06-29. Review status: criteria provided, single submitter. Criteria: Ambry Variant Classification Scheme 2023. Collection method: clinical testing. Allele origin: germline.
Comment: The p.T351P variant (also known as c.1051A>C), located in coding exon 4 of the PALB2 gene, results from an A to C substitution at nucleotide position 1051. The threonine at codon 351 is replaced by proline, an amino acid with highly similar properties. This amino acid position is not well conserved in available vertebrate species. In addition, this alteration is predicted to be tolerated by in silico analysis. Since supporting evidence is limited at this time, the clinical significance of this alteration remains unclear.